The following is an entry in ClinVar:

NM_198904.4(GABRG2):c.927C>G (p.Ile309Met)

Gene: GABRG2 (gamma-aminobutyric acid type A receptor subunit gamma2; plus strand). Cytogenetic location: 5q34.
Variant type: single nucleotide variant.
Coding change: c.927C>G on transcript NM_198904.4 (MANE Select); coding-DNA position 927, C replaced by G.
Protein change: p.Ile309Met; replaces isoleucine 309 with methionine.
Molecular consequence: missense variant. On other transcripts: intron variant (1).
Genome position (GRCh38, 1-based): chr5:162,149,112, C>G. VCF-style: chr5-162149112-C-G. GRCh37 (hg19) VCF-style: chr5-161576118-C-G.
Other names: c.918C>G, p.Ile306Met (NM_001375339.1); c.924C>G, p.Ile308Met (NM_001375341.1, NM_001375342.1); c.1047C>G, p.Ile349Met (NM_001375343.1, NM_198903.2); c.966C>G, p.Ile322Met (NM_001375344.1); c.861C>G, p.Ile287Met (NM_001375345.1, NM_001375346.1); c.840C>G, p.Ile280Met (NM_001375347.1); c.507C>G, p.Ile169Met (NM_001375348.1, NM_001375350.1); c.642C>G, p.Ile214Met (NM_001375349.1); and 2 more; short protein forms I349M, I309M, I169M, I214M, I280M, I287M, I306M, I308M.
Identifiers: ClinVar variation 536743 (VCV000536743.11), dbSNP rs1554100910, ClinGen allele CA362182304.

ClinVar aggregate classification (germline): Uncertain significance (1 of 4 stars; one submission).

Conditions:
EPILEPSY, CHILDHOOD ABSENCE, SUSCEPTIBILITY TO, 2 (ECA2). Identifiers: Orphanet 64280, MedGen C1843244, OMIM 607681.
Febrile seizures, familial, 8 (FEB8). Also called: CONVULSIONS, FAMILIAL FEBRILE, 8. Identifiers: Orphanet 36387, MedGen C1969810, MONDO:0011891, OMIM 607681.

Submission:

Labcorp Genetics (formerly Invitae), Labcorp
Classification: Uncertain significance for Febrile seizures, familial, 8; EPILEPSY, CHILDHOOD ABSENCE, SUSCEPTIBILITY TO, 2. Last evaluated: 2022-07-06. Review status: criteria provided, single submitter. Criteria: Invitae Variant Classification Sherloc (09022015). Collection method: clinical testing. Allele origin: germline.
Comment: In summary, the available evidence is currently insufficient to determine the role of this variant in disease. Therefore, it has been classified as a Variant of Uncertain Significance. Algorithms developed to predict the effect of sequence changes on RNA splicing suggest that this variant may create or strengthen a splice site. Advanced modeling of protein sequence and biophysical properties (such as structural, functional, and spatial information, amino acid conservation, physicochemical variation, residue mobility, and thermodynamic stability) performed at Invitae indicates that this missense variant is expected to disrupt GABRG2 protein function. ClinVar contains an entry for this variant (Variation ID: 536743). This variant has not been reported in the literature in individuals affected with GABRG2-related conditions. This variant is not present in population databases (gnomAD no frequency). This sequence change replaces isoleucine, which is neutral and non-polar, with methionine, which is neutral and non-polar, at codon 309 of the GABRG2 protein (p.Ile309Met).